The following is an entry in ClinVar:

NM_005689.4(ABCB6):c.1162G>A (p.Val388Met)

Gene: ABCB6 (ATP binding cassette subfamily B member 6 (LAN blood group); minus strand). Cytogenetic location: 2q35.
Variant type: single nucleotide variant.
Coding change: c.1162G>A on transcript NM_005689.4 (MANE Select); coding-DNA position 1162, G replaced by A.
Protein change: p.Val388Met; replaces valine 388 with methionine.
Molecular consequence: missense variant.
Genome position (GRCh38, 1-based): chr2:219,215,075, C>T on the plus strand (G>A on the coding strand, the complement: ABCB6 is on the minus strand). VCF-style: chr2-219215075-C-T. GRCh37 (hg19) VCF-style: chr2-220079797-C-T.
Other names: c.1024G>A, p.Val342Met (NM_001349828.2); short protein forms V342M, V388M.
Identifiers: ClinVar variation 3865619 (VCV003865619.2).
Genomic context (GRCh38, chr2:219,215,075, plus strand): 5'-ACATGCTGAAGTAGATGATGCCAATGATGATGTCGGCCAGCGTGGGGATGACATTGAACA[C>T]CAGGTAGCTAGGAGGGCAGGTCAAGTGAATAAGAAAGGTCTGGGGGCTTAGACCCAGCAA-3'
Protein context (NP_005680.1, residues 378-398): SSVTGLLSYL[Val388Met]FNVIPTLADI

ClinVar aggregate classification (germline): Uncertain significance. Review status: criteria provided, multiple submitters, no conflicts (2 of 4 stars). 2 submissions from 2 submitters: Uncertain significance (2). Last evaluated 2025-06-03.

Conditions:
Inborn genetic diseases. Identifiers: MedGen C0950123, MeSH D030342.

Submissions (2):

Labcorp Genetics (formerly Invitae), Labcorp
Classification: Uncertain significance. Last evaluated: 2025-06-03. Review status: criteria provided, single submitter. Criteria: Invitae Variant Classification Sherloc (09022015). Collection method: clinical testing. Allele origin: germline.
Comment: This sequence change replaces valine, which is neutral and non-polar, with methionine, which is neutral and non-polar, at codon 388 of the ABCB6 protein (p.Val388Met). This variant is present in population databases (no rsID available, gnomAD 0.0009%). This variant has not been reported in the literature in individuals affected with ABCB6-related conditions. ClinVar contains an entry for this variant (Variation ID: 3865619). An algorithm developed to predict the effect of missense changes on protein structure and function (PolyPhen-2) suggests that this variant is likely to be disruptive. In summary, the available evidence is currently insufficient to determine the role of this variant in disease. Therefore, it has been classified as a Variant of Uncertain Significance.

Ambry Genetics
Classification: Uncertain significance for Inborn genetic diseases. Last evaluated: 2025-01-27. Review status: criteria provided, single submitter. Criteria: Ambry Variant Classification Scheme 2023. Collection method: clinical testing. Allele origin: germline.